The following is an entry in ClinVar:

NM_000257.4(MYH7):c.2713T>G (p.Cys905Gly)

Gene: MYH7 (myosin heavy chain 7; minus strand). Cytogenetic location: 14q11.2.
Variant type: single nucleotide variant.
Coding change: c.2713T>G on transcript NM_000257.4 (MANE Select); coding-DNA position 2713, T replaced by G.
Protein change: p.Cys905Gly; replaces cysteine 905 with glycine.
Molecular consequence: missense variant.
Genome position (GRCh38, 1-based): chr14:23,424,116, A>C on the plus strand (T>G on the coding strand, the complement: MYH7 is on the minus strand). VCF-style: chr14-23424116-A-C. GRCh37 (hg19) VCF-style: chr14-23893325-A-C.
Other names: c.2713T>G, p.Cys905Gly (NM_001407004.1); short protein forms C905G.
Identifiers: ClinVar variation 2744964 (VCV002744964.3), dbSNP rs2502280305, ClinGen allele CA389047300.

ClinVar aggregate classification (germline): Uncertain significance (1 of 4 stars; one submission).

Conditions:
Hypertrophic cardiomyopathy. Also called: HYPERTROPHIC MYOCARDIOPATHY. Identifiers: Orphanet 217569, MedGen C0007194, MeSH D002312, MONDO:0005045, HP:0001639.

Submission:

Labcorp Genetics (formerly Invitae), Labcorp
Classification: Uncertain significance for Hypertrophic cardiomyopathy. Last evaluated: 2023-07-19. Review status: criteria provided, single submitter. Criteria: Invitae Variant Classification Sherloc (09022015). Collection method: clinical testing. Allele origin: germline.
Comment: This sequence change replaces cysteine, which is neutral and slightly polar, with glycine, which is neutral and non-polar, at codon 905 of the MYH7 protein (p.Cys905Gly). In summary, the available evidence is currently insufficient to determine the role of this variant in disease. Therefore, it has been classified as a Variant of Uncertain Significance. This variant disrupts the p.Cys905 amino acid residue in MYH7. Other variant(s) that disrupt this residue have been determined to be pathogenic (PMID: 25132132; Invitae). This suggests that this residue is clinically significant, and that variants that disrupt this residue are likely to be disease-causing. Advanced modeling of protein sequence and biophysical properties (such as structural, functional, and spatial information, amino acid conservation, physicochemical variation, residue mobility, and thermodynamic stability) performed at Invitae indicates that this missense variant is expected to disrupt MYH7 protein function. This variant has not been reported in the literature in individuals affected with MYH7-related conditions. This variant is not present in population databases (gnomAD no frequency).

Literature cited by the submitters: PubMed 25132132.